The following is an entry in ClinVar:

ClinVar aggregate classification (germline): Benign (1 of 4 stars; one submission).

Submission:

GeneDx
Classification: Benign. Last evaluated: 2013-10-23. Review status: criteria provided, single submitter. Criteria: GeneDx Variant Classification (06012015). Collection method: clinical testing. Allele origin: germline. Affected: yes.
Comment: This variant is considered likely benign or benign based on one or more of the following criteria: it is a conservative change, it occurs at a poorly conserved position in the protein, it is predicted to be benign by multiple in silico algorithms, and/or has population frequency not consistent with disease.

NM_004006.2(DMD):c.-72599T>C

Gene: DMD (dystrophin; minus strand). Cytogenetic location: Xp21.1.
Variant type: single nucleotide variant.
Coding change: c.-72599T>C on transcript NM_004006.2; 72599 bases upstream of the start codon, T replaced by C.
Molecular consequence: intron variant (on NM_000109.4).
Genome position (GRCh38, 1-based): chrX:33,283,911, A>G on the plus strand (T>C on the coding strand, the complement: DMD is on the minus strand). VCF-style: chrX-33283911-A-G. GRCh37 (hg19) VCF-style: chrX-33302028-A-G.
Other names: c.7+55348T>C (NM_000109.4).
Identifiers: ClinVar variation 137113 (VCV000137113.3), dbSNP rs587780920, ClinGen allele CA290633.
Genomic context (GRCh38, chrX:33,283,911, plus strand): 5'-TACTAAAAATACAAAAAATTAGCTGGGCATGGTGGCGGGCGCCTGTAGTCCCAGCTACTC[A>G]GGAGGCTGAGGCAGGAGAATGGCGTGAACCCGGGAGGCGGAGGTTGCAGTGAGCCAAGAT-3'